The following is an entry in ClinVar:

NM_145059.3(FCSK):c.890C>T (p.Ala297Val)

Gene: FCSK (fucose kinase; plus strand). Cytogenetic location: 16q22.1.
Variant type: single nucleotide variant.
Coding change: c.890C>T on transcript NM_145059.3 (MANE Select); coding-DNA position 890, C replaced by T.
Protein change: p.Ala297Val; replaces alanine 297 with valine.
Molecular consequence: missense variant.
Genome position (GRCh38, 1-based): chr16:70,469,258, C>T. VCF-style: chr16-70469258-C-T. GRCh37 (hg19) VCF-style: chr16-70503161-C-T.
Other names: c.890C>T (NM_145059.2); short protein forms A297V.
Identifiers: ClinVar variation 2415669 (VCV002415669.10), dbSNP rs200931948, ClinGen allele CA8143114.

ClinVar aggregate classification (germline): Uncertain significance. Review status: criteria provided, multiple submitters, no conflicts (2 of 4 stars). 3 submissions from 3 submitters: Uncertain significance (3). Last evaluated 2026-01-25.

Allele frequency attached by ClinVar (database versions not stated): gnomAD exomes 0.00003; ExAC 0.00010; gnomAD 0.00011; TOPMed 0.00018; ESP Exome Variant Server 0.00041.
gnomAD v4.1: 60 of 1,613,632 alleles (0.0037%); highest among the groups gnomAD compares: African/African-American, 0.028%; no homozygotes.

Submissions (3):

Labcorp Genetics (formerly Invitae), Labcorp
Classification: Uncertain significance. Last evaluated: 2026-01-25. Review status: criteria provided, single submitter. Criteria: Invitae Variant Classification Sherloc (09022015). Collection method: clinical testing. Allele origin: germline.
Comment: This sequence change replaces alanine, which is neutral and non-polar, with valine, which is neutral and non-polar, at codon 297 of the FUK protein (p.Ala297Val). This variant is present in population databases (rs200931948, gnomAD 0.04%). This variant has not been reported in the literature in individuals affected with FUK-related conditions. ClinVar contains an entry for this variant (Variation ID: 2415669). An algorithm developed to predict the effect of missense changes on protein structure and function (PolyPhen-2) suggests that this variant is likely to be tolerated. In summary, the available evidence is currently insufficient to determine the role of this variant in disease. Therefore, it has been classified as a Variant of Uncertain Significance.

Ambry Genetics
Classification: Uncertain significance. Last evaluated: 2025-10-07. Review status: criteria provided, single submitter. Criteria: Ambry Variant Classification Scheme 2023. Collection method: clinical testing. Allele origin: germline.

Breakthrough Genomics
Classification: Uncertain significance. Review status: criteria provided, single submitter. Criteria: ACMG Guidelines, 2015. Collection method: not provided. Allele origin: germline. Inheritance: Autosomal recessive inheritance. Affected: yes.